The following is an entry in ClinVar:

ClinVar aggregate classification (germline): Uncertain significance. Review status: criteria provided, multiple submitters, no conflicts (2 of 4 stars). 2 submissions from 2 submitters: Uncertain significance (2). Last evaluated 2025-05-23.

Conditions:
Inborn genetic diseases. Identifiers: MedGen C0950123, MeSH D030342.
Charcot-Marie-Tooth disease axonal type 2O. Also called: CHARCOT-MARIE-TOOTH NEUROPATHY, AXONAL, TYPE 2O; CHARCOT-MARIE-TOOTH DISEASE, AXONAL, AUTOSOMAL DOMINANT, TYPE 2O; Charcot-Marie-Tooth Neuropathy Type 2O; Charcot-Marie-Tooth disease, axonal, type 20. Identifiers: Orphanet 284232, MedGen C3280220, MONDO:0013644, OMIM 614228.

Allele frequency attached by ClinVar (database versions not stated): gnomAD exomes below 0.00001.
gnomAD v4.1: 1 of 1,614,096 alleles (0.000062%); highest among the groups gnomAD compares: Non-Finnish European, 0.000085%; no homozygotes.

Submissions (2):

Ambry Genetics
Classification: Uncertain significance for Inborn genetic diseases. Last evaluated: 2025-05-23. Review status: criteria provided, single submitter. Criteria: Ambry Variant Classification Scheme 2023. Collection method: clinical testing. Allele origin: germline.
Comment: The c.1990C>T (p.R664W) alteration is located in exon 8 (coding exon 8) of the DYNC1H1 gene. This alteration results from a C to T substitution at nucleotide position 1990, causing the arginine (R) at amino acid position 664 to be replaced by a tryptophan (W). This variant was not reported in population-based cohorts in the Genome Aggregation Database (gnomAD). This amino acid position is highly conserved in available vertebrate species. This alteration is predicted to be deleterious by in silico analysis. Based on insufficient or conflicting evidence, the clinical significance of this alteration remains unclear.

Labcorp Genetics (formerly Invitae), Labcorp
Classification: Uncertain significance for Charcot-Marie-Tooth disease axonal type 2O. Last evaluated: 2021-08-31. Review status: criteria provided, single submitter. Criteria: Invitae Variant Classification Sherloc (09022015). Collection method: clinical testing. Allele origin: germline.

NM_001376.5(DYNC1H1):c.1990C>T (p.Arg664Trp)

Gene: DYNC1H1 (dynein cytoplasmic 1 heavy chain 1; plus strand). Cytogenetic location: 14q32.31.
Variant type: single nucleotide variant.
Coding change: c.1990C>T on transcript NM_001376.5 (MANE Select); coding-DNA position 1990, C replaced by T.
Protein change: p.Arg664Trp; replaces arginine 664 with tryptophan.
Molecular consequence: missense variant.
Genome position (GRCh38, 1-based): chr14:101,986,215, C>T. VCF-style: chr14-101986215-C-T. GRCh37 (hg19) VCF-style: chr14-102452552-C-T.
Other names: c.1990C>T (NM_001376.4); short protein forms R664W.
Identifiers: ClinVar variation 1360183 (VCV001360183.4), dbSNP rs2141274831, ClinGen allele CA391020198.
Genomic context (GRCh38, chr14:101,986,215, plus strand): 5'-GTGTCAGGGTCTATCATCTGGGCTAAACAGATCGACAGGCAGCTGACGGCCTACATGAAG[C>T]GGGTGGAAGATGTCCTTGGCAAGGGCTGGGAGAATCACGTGGAGGGGCAGAAGCTGAAGC-3'
Protein context (NP_001367.2, residues 654-674): IDRQLTAYMK[Arg664Trp]VEDVLGKGWE